The following is an entry in ClinVar:

ClinVar aggregate classification (germline): Pathogenic (1 of 4 stars; one submission).

Submission:

GeneDx
Classification: Pathogenic. Last evaluated: 2016-04-13. Review status: criteria provided, single submitter. Criteria: GeneDx Variant Classification (06012015). Collection method: clinical testing. Allele origin: germline. Affected: yes.
Comment: The C200F pathogenic variant in the ATRX gene has not been reported previously as a pathogenic variant nor as a benign variant, to our knowledge. The C200F variant was not observed in approximately 6500 individuals of European and African American ancestry in the NHLBI Exome Sequencing Project, indicating it is not a common benign variant in these populations. The C200F variant is a non-conservative amino acid substitution, which is likely to impact secondary protein structure as these residues differ in polarity, charge, size and/or other properties. In silico analysis predicts this variant is probably damaging to the protein structure/function. This substitution occurs in the ADD domain at a position that is conserved across species. Half of all reported missense variants in ATRX occur in the ADD domain and are presumed to have structural consequences on the ATRX protein and impact histone methylation (Argentaro et al., 2007; Iwase et al., 2011; Stenson et al., 2014). We interpret C200F as a pathogenic variant.

NM_000489.6(ATRX):c.599G>T (p.Cys200Phe)

Gene: ATRX (ATRX chromatin remodeler; minus strand). Cytogenetic location: Xq21.1.
Variant type: single nucleotide variant.
Coding change: c.599G>T on transcript NM_000489.6 (MANE Select); coding-DNA position 599, G replaced by T.
Protein change: p.Cys200Phe; replaces cysteine 200 with phenylalanine.
Molecular consequence: missense variant.
Genome position (GRCh38, 1-based): chrX:77,685,002, C>A on the plus strand (G>T on the coding strand, the complement: ATRX is on the minus strand). VCF-style: chrX-77685002-C-A. GRCh37 (hg19) VCF-style: chrX-76940494-C-A.
Other names: c.485G>T, p.Cys162Phe (NM_138270.5); short protein forms C200F, C162F.
Identifiers: ClinVar variation 280508 (VCV000280508.2), dbSNP rs886041700, ClinGen allele CA10603509.